The following is an entry in ClinVar:

ClinVar aggregate classification (germline): Uncertain significance (0 of 4 stars; one submission).

Conditions:
SEMA3F-related disorder. Also called: SEMA3F-related condition.

gnomAD v4.1: 8 of 1,613,598 alleles (0.0005%); highest among the groups gnomAD compares: Admixed American, 0.0033%; no homozygotes.

Submission:

PreventionGenetics, part of Exact Sciences
Classification: Uncertain significance for SEMA3F-related condition. Last evaluated: 2024-04-03. Review status: no assertion criteria provided. Collection method: clinical testing. Allele origin: germline.
Comment: The SEMA3F c.610G>A variant is predicted to result in the amino acid substitution p.Asp204Asn. To our knowledge, this variant has not been reported in the literature. This variant is reported in 0.0056% of alleles in individuals of Latino descent in gnomAD. At this time, the clinical significance of this variant is uncertain due to the absence of conclusive functional and genetic evidence.

NM_004186.5(SEMA3F):c.610G>A (p.Asp204Asn)

Gene: SEMA3F (semaphorin 3F; plus strand). Cytogenetic location: 3p21.31.
Variant type: single nucleotide variant.
Coding change: c.610G>A on transcript NM_004186.5 (MANE Select); coding-DNA position 610, G replaced by A.
Protein change: p.Asp204Asn; replaces aspartic acid 204 with asparagine.
Molecular consequence: missense variant.
Genome position (GRCh38, 1-based): chr3:50,176,828, G>A. VCF-style: chr3-50176828-G-A. GRCh37 (hg19) VCF-style: chr3-50214261-G-A.
Other names: c.313G>A, p.Asp105Asn (NM_001318798.2); c.517G>A, p.Asp173Asn (NM_001318800.2); short protein forms D105N, D173N, D204N.
Identifiers: ClinVar variation 3356763 (VCV003356763.1).